The following is an entry in ClinVar:

ClinVar aggregate classification (germline): Uncertain significance (1 of 4 stars; one submission).

Allele frequency attached by ClinVar (database versions not stated): gnomAD exomes below 0.00001 and 0.00001; TOPMed below 0.00001.
gnomAD v4.1: 15 of 1,613,538 alleles (0.00093%); highest among the groups gnomAD compares: Admixed American, 0.0017%; no homozygotes.

Submission:

Labcorp Genetics (formerly Invitae), Labcorp
Classification: Uncertain significance. Last evaluated: 2024-12-12. Review status: criteria provided, single submitter. Criteria: Invitae Variant Classification Sherloc (09022015). Collection method: clinical testing. Allele origin: germline.
Comment: This sequence change replaces leucine, which is neutral and non-polar, with arginine, which is basic and polar, at codon 113 of the OPN1SW protein (p.Leu113Arg). This variant is present in population databases (no rsID available, gnomAD 0.0009%). This variant has not been reported in the literature in individuals affected with OPN1SW-related conditions. ClinVar contains an entry for this variant (Variation ID: 1011014). An algorithm developed to predict the effect of missense changes on protein structure and function (PolyPhen-2) suggests that this variant is likely to be disruptive. In summary, the available evidence is currently insufficient to determine the role of this variant in disease. Therefore, it has been classified as a Variant of Uncertain Significance.

NM_001385125.1(OPN1SW):c.329T>G (p.Leu110Arg)

Gene: OPN1SW (opsin 1, short wave sensitive; minus strand). Cytogenetic location: 7q32.1.
Variant type: single nucleotide variant.
Coding change: c.329T>G on transcript NM_001385125.1 (MANE Select); coding-DNA position 329, T replaced by G.
Protein change: p.Leu110Arg; replaces leucine 110 with arginine.
Molecular consequence: missense variant.
Genome position (GRCh38, 1-based): chr7:128,775,453, A>C on the plus strand (T>G on the coding strand, the complement: OPN1SW is on the minus strand). VCF-style: chr7-128775453-A-C. GRCh37 (hg19) VCF-style: chr7-128415507-A-C.
Other names: short protein forms L110R.
Identifiers: ClinVar variation 1011014 (VCV001011014.8), dbSNP rs1257127453, ClinGen allele CA369221222.